The following is an entry in ClinVar:

ClinVar aggregate classification (germline): Conflicting classifications of pathogenicity. Review status: criteria provided, conflicting classifications (1 of 4 stars). 6 submissions from 5 submitters: Likely pathogenic (3); Uncertain significance (2). 1 of the submissions does not count toward it. Last evaluated 2024-05-01.

Conditions:
Hyperinsulinemic hypoglycemia, familial, 1 (HHF1). Also called: HYPERINSULINISM, FAMILIAL, WITH PANCREATIC NESIDIOBLASTOSIS; HYPOGLYCEMIA, HYPERINSULINEMIC, OF INFANCY; NESIDIOBLASTOSIS OF PANCREAS; Persistent hyperinsulinemic hypoglycemia of infancy; Persistent Hyperinsulinemia Hypoglycemia of Infancy. Identifiers: Orphanet 276575, Orphanet 276598, MedGen C2931832, MONDO:0009734, OMIM 256450.
Leucine-induced hypoglycemia (LIH). Also called: LEUCINE-SENSITIVE HYPOGLYCEMIA OF INFANCY. Identifiers: MedGen C0271714, MONDO:0009415, OMIM 240800.
Diabetes mellitus, permanent neonatal 3. Also called: ABCC8-Related Permanent Neonatal Diabetes Mellitus. Identifiers: MedGen C5394303, MONDO:0030088, OMIM 618857.
Diabetes mellitus, transient neonatal, 2 (TNDM2). Identifiers: Orphanet 99886, MedGen C1835887, MONDO:0012480, OMIM 610374. Disease mechanism: loss of function.
Type 2 diabetes mellitus. Also called: Type II diabetes mellitus. Identifiers: MedGen C0011860, MeSH D003924, MONDO:0005148, OMIM 125853, HP:0005978.
Transitory neonatal diabetes mellitus. Also called: Transient neonatal diabetes mellitus. Identifiers: MedGen C0342273, MONDO:0020525, HP:0008255.
Maturity-onset diabetes of the young (MODY). Also called: Maturity onset diabetes mellitus in young. Identifiers: Orphanet 552, MedGen C0342276, MONDO:0018911, HP:0004904.

Allele frequency attached by ClinVar (database versions not stated): gnomAD exomes below 0.00001.
gnomAD v4.1: 2 of 1,612,178 alleles (0.00012%); highest among the groups gnomAD compares: Non-Finnish European, 0.00017%; no homozygotes.

Submissions (6):

Fulgent Genetics
Classification: Likely pathogenic for Type 2 diabetes mellitus; Leucine-induced hypoglycemia; Hyperinsulinemic hypoglycemia, familial, 1; Diabetes mellitus, transient neonatal, 2; Diabetes mellitus, permanent neonatal 3. Last evaluated: 2024-05-01. Review status: criteria provided, single submitter. Criteria: ACMG Guidelines, 2015. Collection method: clinical testing. Allele origin: germline.

Labcorp Genetics (formerly Invitae), Labcorp
Classification: Likely pathogenic. Last evaluated: 2022-12-20. Review status: criteria provided, single submitter. Criteria: Invitae Variant Classification Sherloc (09022015). Collection method: clinical testing. Allele origin: germline.
Comment: Algorithms developed to predict the effect of sequence changes on RNA splicing suggest that this variant may disrupt the consensus splice site. ClinVar contains an entry for this variant (Variation ID: 370562). This variant has not been reported in the literature in individuals affected with ABCC8-related conditions. This variant is not present in population databases (gnomAD no frequency). This sequence change affects a donor splice site in intron 17 of the ABCC8 gene. It is expected to disrupt RNA splicing. Variants that disrupt the donor or acceptor splice site typically lead to a loss of protein function (PMID: 16199547), and loss-of-function variants in ABCC8 are known to be pathogenic (PMID: 20685672, 23345197). In summary, the currently available evidence indicates that the variant is pathogenic, but additional data are needed to prove that conclusively. Therefore, this variant has been classified as Likely Pathogenic.

Baylor Genetics
Classification: Likely pathogenic for Type 2 diabetes mellitus. Last evaluated: 2022-08-09. Review status: criteria provided, single submitter. Criteria: ACMG Guidelines, 2015. Collection method: clinical testing. Allele origin: unknown.

Clinical Genomics, Uppaluri K&H Personalized Medicine Clinic
Classification: Uncertain significance for Maturity-onset diabetes of the young. Review status: criteria provided, single submitter. Criteria: K & H Uppaluri Personalized Medicine Clinic Variant Classification & Assertion Criteria_Updated V.1. Collection method: research. Allele origin: unknown. Inheritance: Somatic mutation.
Comment: Mutations in ABCC8 gene are associated with both neonatal diabetes mellitus as well as MODY. Patients with this mutation may have a better response to sulfonylureas. However, no sufficient evidence is found to ascertain the role of this particular variant ( rs1057516589) in MODY yet.

Clinical Genomics, Uppaluri K&H Personalized Medicine Clinic
Classification: Uncertain significance for Transitory neonatal diabetes mellitus. Review status: criteria provided, single submitter. Criteria: K & H Uppaluri Personalized Medicine Clinic Variant Classification & Assertion Criteria_Updated V.1. Collection method: research. Allele origin: unknown. Inheritance: Somatic mutation.
Comment: Mutations in ABCC8 gene are associated with both neonatal diabetes mellitus as well as MODY. Patients with this mutation may have a better response to sulfonylureas. However, no sufficient evidence is found to ascertain the role of this particular variant (rs1057516589) in neonatal diabetes yet.

Counsyl
Classification: Likely pathogenic for Hyperinsulinemic hypoglycemia, familial, 1. Last evaluated: 2016-02-29. Review status: no assertion criteria provided. Collection method: clinical testing. Allele origin: unknown. Not counted in ClinVar's aggregate classification.

Literature cited by the submitters: PubMed 16199547 (cited by Labcorp Genetics (formerly Invitae), Labcorp); PubMed 20685672 (cited by Labcorp Genetics (formerly Invitae), Labcorp); PubMed 23345197 (cited by Labcorp Genetics (formerly Invitae), Labcorp); PubMed 16885549 (cited by Clinical Genomics, Uppaluri K&H Personalized Medicine Clinic); PubMed 21989597 (cited by Clinical Genomics, Uppaluri K&H Personalized Medicine Clinic); PubMed 27538677 (cited by Clinical Genomics, Uppaluri K&H Personalized Medicine Clinic); PubMed 18981553 (cited by Clinical Genomics, Uppaluri K&H Personalized Medicine Clinic); PubMed 32027066 (cited by Clinical Genomics, Uppaluri K&H Personalized Medicine Clinic); PubMed 16613899 (cited by Clinical Genomics, Uppaluri K&H Personalized Medicine Clinic); PubMed 18025408 (cited by Clinical Genomics, Uppaluri K&H Personalized Medicine Clinic); PubMed 32792356 (cited by Clinical Genomics, Uppaluri K&H Personalized Medicine Clinic).

NM_000352.6(ABCC8):c.2255+2T>C

Gene: ABCC8 (ATP binding cassette subfamily C member 8; minus strand). Cytogenetic location: 11p15.1.
Variant type: single nucleotide variant.
Coding change: c.2255+2T>C on transcript NM_000352.6 (MANE Select); the canonical splice donor site of the intron after coding-DNA position 2255, T replaced by C.
Molecular consequence: splice donor variant.
Genome position (GRCh38, 1-based): chr11:17,416,928, A>G on the plus strand (T>C on the coding strand, the complement: ABCC8 is on the minus strand). VCF-style: chr11-17416928-A-G. GRCh37 (hg19) VCF-style: chr11-17438475-A-G.
Other names: c.2252+2T>C (NM_001351297.2); c.2255+2T>C (NM_001351296.2); c.2321+2T>C (NM_001351295.2); c.2258+2T>C (NM_001287174.3).
Identifiers: ClinVar variation 370562 (VCV000370562.14), dbSNP rs1057516589, ClinGen allele CA16041448.